The following is an entry in ClinVar:

ClinVar aggregate classification (germline): Uncertain significance (1 of 4 stars; one submission).

Submission:

Labcorp Genetics (formerly Invitae), Labcorp
Classification: Uncertain significance. Last evaluated: 2021-07-06. Review status: criteria provided, single submitter. Criteria: Invitae Variant Classification Sherloc (09022015). Collection method: clinical testing. Allele origin: germline.
Comment: This sequence change creates a premature translational stop signal (p.Lys443*) in the ATP6V1A gene. It is expected to result in an absent or disrupted protein product. However, the current clinical and genetic evidence is not sufficient to establish whether loss-of-function variants in ATP6V1A cause disease. This variant is not present in population databases (ExAC no frequency). This variant has not been reported in the literature in individuals affected with ATP6V1A-related conditions. In summary, the available evidence is currently insufficient to determine the role of this variant in disease. Therefore, it has been classified as a Variant of Uncertain Significance.

NM_001690.4(ATP6V1A):c.1326dup (p.Lys443Ter)

Gene: ATP6V1A (ATPase H+ transporting V1 subunit A; plus strand). Cytogenetic location: 3q13.31.
Variant type: Duplication.
Coding change: c.1326dup on transcript NM_001690.4 (MANE Select); coding-DNA position 1326, one base duplicated (T; older notation c.1326dupT).
Protein change: p.Lys443Ter; replaces lysine 443 with a stop codon.
Molecular consequence: nonsense.
Genome position (GRCh38, 1-based): chr3:113,798,278, T duplicated. VCF-style (leftmost placement, unchanged base first): chr3-113798277-G-GT. GRCh37 (hg19) VCF-style: chr3-113517124-G-GT.
Other names: short protein forms K443*.
Identifiers: ClinVar variation 1366156 (VCV001366156.6), dbSNP rs2108040657, ClinGen allele CA2573136407.